The following is an entry in ClinVar:

NM_003072.5(SMARCA4):c.508A>G (p.Thr170Ala)

Gene: SMARCA4 (SWI/SNF related BAF chromatin remodeling complex subunit ATPase 4; plus strand). Cytogenetic location: 19p13.2.
Variant type: single nucleotide variant.
Coding change: c.508A>G on transcript NM_003072.5 (MANE Select); coding-DNA position 508, A replaced by G.
Protein change: p.Thr170Ala; replaces threonine 170 with alanine.
Molecular consequence: missense variant. On other transcripts: non-coding transcript variant (1).
Genome position (GRCh38, 1-based): chr19:10,986,341, A>G. VCF-style: chr19-10986341-A-G. GRCh37 (hg19) VCF-style: chr19-11097017-A-G.
Other names: c.508A>G, p.Thr170Ala (NM_001128844.3, NM_001128845.2, NM_001128846.2 and 6 more transcripts); short protein forms T170A.
Identifiers: ClinVar variation 2106153 (VCV002106153.5), dbSNP rs773273784, ClinGen allele CA404056188.

ClinVar aggregate classification (germline): Uncertain significance. Review status: criteria provided, multiple submitters, no conflicts (2 of 4 stars). 2 submissions from 2 submitters: Uncertain significance (2). Last evaluated 2023-08-01.

Conditions:
Rhabdoid tumor predisposition syndrome 2 (RTPS2). Identifiers: Orphanet 231108, Orphanet 69077, MedGen C2750074, MONDO:0013224, OMIM 613325.

Submissions (2):

Baylor Genetics
Classification: Uncertain significance for Rhabdoid tumor predisposition syndrome 2. Last evaluated: 2023-08-01. Review status: criteria provided, single submitter. Criteria: ACMG Guidelines, 2015. Collection method: clinical testing. Allele origin: unknown.

Labcorp Genetics (formerly Invitae), Labcorp
Classification: Uncertain significance for Rhabdoid tumor predisposition syndrome 2. Last evaluated: 2022-08-23. Review status: criteria provided, single submitter. Criteria: Invitae Variant Classification Sherloc (09022015). Collection method: clinical testing. Allele origin: germline.
Comment: This sequence change replaces threonine, which is neutral and polar, with alanine, which is neutral and non-polar, at codon 170 of the SMARCA4 protein (p.Thr170Ala). This variant is not present in population databases (gnomAD no frequency). This variant has not been reported in the literature in individuals affected with SMARCA4-related conditions. Algorithms developed to predict the effect of missense changes on protein structure and function are either unavailable or do not agree on the potential impact of this missense change (SIFT: "Deleterious"; PolyPhen-2: "Benign"; Align-GVGD: "Class C55"). In summary, the available evidence is currently insufficient to determine the role of this variant in disease. Therefore, it has been classified as a Variant of Uncertain Significance.